The following is an entry in ClinVar:

NM_001649.4(SHROOM2):c.411C>T (p.Thr137=)

Gene: SHROOM2 (shroom family member 2; plus strand). Cytogenetic location: Xp22.2.
Variant type: single nucleotide variant.
Coding change: c.411C>T on transcript NM_001649.4 (MANE Select); coding-DNA position 411, C replaced by T.
Protein change: p.Thr137=; no amino-acid change (threonine 137 retained).
Molecular consequence: synonymous variant.
Genome position (GRCh38, 1-based): chrX:9,891,070, C>T. VCF-style: chrX-9891070-C-T. GRCh37 (hg19) VCF-style: chrX-9859110-C-T.
Identifiers: ClinVar variation 3055522 (VCV003055522.2), dbSNP rs140977199, ClinGen allele CA10345178.

ClinVar aggregate classification (germline): Benign (0 of 4 stars; one submission).

Conditions:
SHROOM2-related disorder. Also called: SHROOM2-related condition.

Allele frequency attached by ClinVar (database versions not stated): gnomAD exomes 0.00561; ESP Exome Variant Server 0.00682; gnomAD 0.01129; TOPMed 0.01247; ExAC 0.01721; 1000 Genomes Project 30x 0.03101; 1000 Genomes Project 0.03232.

Submission:

PreventionGenetics, part of Exact Sciences
Classification: Benign for SHROOM2-related condition. Last evaluated: 2019-03-20. Review status: no assertion criteria provided. Collection method: clinical testing. Allele origin: germline.
Comment: This variant is classified as benign based on ACMG/AMP sequence variant interpretation guidelines (Richards et al. 2015 PMID: 25741868, with internal and published modifications).